The following is an entry in ClinVar:

NM_016203.4(PRKAG2):c.247C>T (p.Pro83Ser)

Gene: PRKAG2 (protein kinase AMP-activated non-catalytic subunit gamma 2; minus strand). Cytogenetic location: 7q36.1.
Variant type: single nucleotide variant.
Coding change: c.247C>T on transcript NM_016203.4 (MANE Select); coding-DNA position 247, C replaced by T.
Protein change: p.Pro83Ser; replaces proline 83 with serine.
Molecular consequence: missense variant.
Genome position (GRCh38, 1-based): chr7:151,781,371, G>A on the plus strand (C>T on the coding strand, the complement: PRKAG2 is on the minus strand). VCF-style: chr7-151781371-G-A. GRCh37 (hg19) VCF-style: chr7-151478457-G-A.
Other names: c.115C>T, p.Pro39Ser (NM_001040633.2); short protein forms P83S, P39S.
Identifiers: ClinVar variation 45711 (VCV000045711.41), dbSNP rs148791216, ClinGen allele CA014069.
Genomic context (GRCh38, chr7:151,781,371, plus strand): 5'-TGGGAGAGCCGGGGCTGGTCTTGGGCCTCACAGGTGCAGACATGGGGCTGGAGGGCCGGG[G>A]CTGGGGGCCTCTGGAGAAGAACCCTTTGGAGGGGCTGCCCGGGCCGAAGGGGCTGTCCAC-3'
Protein context (NP_057287.2, residues 73-93): SKGFFSRGPQ[Pro83Ser]RPSSPMSAPV

ClinVar aggregate classification (germline): Conflicting classifications of pathogenicity. Review status: criteria provided, conflicting classifications (1 of 4 stars). 18 submissions from 17 submitters: Uncertain significance (2); Benign (1); Likely benign (10). 5 of the submissions do not count toward it. Last evaluated 2026-01-28.

Conditions:
PRKAG2-related disorder. Also called: PRKAG2-related disorders; PRKAG2-related condition.
Cardiovascular phenotype. Identifiers: MedGen CN230736.
Cardiomyopathy (CMYO). Also called: Cardiomyopathies. Identifiers: Orphanet 167848, MedGen C0878544, MONDO:0004994, HP:0001638. Inheritance: Various modes of inheritance.
Lethal congenital glycogen storage disease of heart. Also called: GLYCOGEN STORAGE DISEASE OF HEART; PHOSPHORYLASE KINASE DEFICIENCY OF HEART. Identifiers: Orphanet 439854, MedGen C1849813, MONDO:0009867, OMIM 261740.
Hypertrophic cardiomyopathy 6. Identifiers: MedGen C1833236, MONDO:0010946, OMIM 600858.
Wolff-Parkinson-White pattern. Also called: WPW SYNDROME; Auriculoventricular accessory pathway syndrome; False bundle branch block syndrome; Anomalous ventricular excitation syndrome. Identifiers: MedGen C0043202, MONDO:0008685, OMIM 194200, HP:0001716.
Heart failure. Identifiers: MedGen C0018801, MONDO:0005252.
Hypertrophic cardiomyopathy. Also called: HYPERTROPHIC MYOCARDIOPATHY. Identifiers: Orphanet 217569, MedGen C0007194, MeSH D002312, MONDO:0005045, HP:0001639.

Allele frequency attached by ClinVar (database versions not stated): 1000 Genomes Project 30x 0.00016; 1000 Genomes Project 0.00020; gnomAD exomes 0.00031 and 0.00045; gnomAD 0.00035; ExAC 0.00054; ESP Exome Variant Server 0.00062; TOPMed 0.00051.

Submissions (18):

Labcorp Genetics (formerly Invitae), Labcorp
Classification: Likely benign for Lethal congenital glycogen storage disease of heart. Last evaluated: 2026-01-28. Review status: criteria provided, single submitter. Criteria: Invitae Variant Classification Sherloc (09022015). Collection method: clinical testing. Allele origin: germline.

PreventionGenetics, part of Exact Sciences
Classification: Likely benign for PRKAG2-related condition. Last evaluated: 2025-09-15. Review status: criteria provided, single submitter. Criteria: ACMG Guidelines, 2015. Collection method: clinical testing. Allele origin: germline.
Comment: This variant is classified as likely benign based on ACMG/AMP sequence variant interpretation guidelines (Richards et al. 2015 PMID: 25741868, with internal and published modifications).

Blueprint Genetics
Classification: Likely benign. Last evaluated: 2024-11-19. Review status: criteria provided, single submitter. Criteria: ACMG Guidelines, 2015. Collection method: clinical testing. Allele origin: germline.

All of Us Research Program, National Institutes of Health
Classification: Likely benign for Hypertrophic cardiomyopathy. Last evaluated: 2024-09-23. Review status: criteria provided, single submitter. Criteria: ACMG Guidelines, 2015. Collection method: clinical testing. Allele origin: germline. Inheritance: Autosomal dominant inheritance. Observed: 136 variant alleles, 136 heterozygotes.
Comment: This study involves interpretation of variants in research participants for the purpose of population health screening. Participant phenotype was not available at the time of variant classification. Additional details can be found in publication PMID: 35346344, PMCID: PMC8962531

Women's Health and Genetics/Laboratory Corporation of America, LabCorp
Classification: Likely benign. Last evaluated: 2024-02-26. Review status: criteria provided, single submitter. Criteria: LabCorp Variant Classification Summary - May 2015. Collection method: clinical testing. Allele origin: germline.

Molecular Diagnostic Laboratory for Inherited Cardiovascular Disease, Montreal Heart Institute
Classification: Likely benign. Last evaluated: 2019-10-28. Review status: criteria provided, single submitter. Criteria: ACMG Guidelines, 2015. Collection method: clinical testing. Allele origin: germline. Affected: yes.

Ambry Genetics
Classification: Likely benign for Cardiovascular phenotype. Last evaluated: 2019-04-19. Review status: criteria provided, single submitter. Criteria: Ambry Variant Classification Scheme 2023. Collection method: clinical testing. Allele origin: germline.

Illumina Laboratory Services, Illumina
Classification: Uncertain significance for Wolff-Parkinson-White pattern. Last evaluated: 2018-10-16. Review status: criteria provided, single submitter. Criteria: ICSL Variant Classification Criteria 13 December 2019. Collection method: clinical testing. Allele origin: germline.

Illumina Laboratory Services, Illumina
Classification: Uncertain significance for Hypertrophic cardiomyopathy 6. Last evaluated: 2018-10-16. Review status: criteria provided, single submitter. Criteria: ICSL Variant Classification Criteria 13 December 2019. Collection method: clinical testing. Allele origin: germline.
Comment: This variant was observed as part of a predisposition screen in an ostensibly healthy population. A literature search was performed for the gene, cDNA change, and amino acid change (where applicable). Publications were found based on this search. However, the evidence from the literature, in combination with allele frequency data from public databases where available, was not sufficient to rule this variant in or out of causing disease. Therefore, this variant is classified as a variant of unknown significance.

Color Diagnostics, LLC DBA Color Health
Classification: Likely benign for Cardiomyopathy. Last evaluated: 2018-03-23. Review status: criteria provided, single submitter. Criteria: ACMG Guidelines, 2015. Collection method: clinical testing. Allele origin: germline.

CHEO Genetics Diagnostic Laboratory, Children's Hospital of Eastern Ontario
Classification: Benign for Cardiomyopathy. Last evaluated: 2017-12-20. Review status: criteria provided, single submitter. Criteria: ACMG Guidelines, 2015. Collection method: clinical testing. Allele origin: germline.

Center for Advanced Laboratory Medicine, UC San Diego Health, University of California San Diego
Classification: Likely benign for Heart failure. Last evaluated: 2017-03-14. Review status: criteria provided, single submitter. Criteria: ACMG Guidelines, 2015. Collection method: clinical testing. Allele origin: germline. Affected: yes. Observed: 1 variant allele.

Laboratory for Molecular Medicine, Mass General Brigham Personalized Medicine
Classification: Likely benign. Last evaluated: 2015-04-28. Review status: criteria provided, single submitter. Criteria: LMM Criteria. Collection method: clinical testing. Allele origin: germline. Observed: 9 variant alleles.
Comment: p.Pro83Ser in exon 3 of PRKAG2: This variant has been reported in an HCM patient who carried a second, pathogenic HCM variant (Scheffold 2011). It is not expect ed to have clinical significance because it has been identified in various large populations including 0.14% (22/15396) of South Asian chromosomes by the Exome Aggregation Consortium (ExAC; dbSNP rs148791216) and is located outside the CBS domain region (residues 277-555) where all patho genic PRKAG2 variants have been identified to date.

Clinical Genetics DNA and cytogenetics Diagnostics Lab, Erasmus MC, Erasmus Medical Center
Classification: Likely benign. Review status: no assertion criteria provided. Collection method: clinical testing. Allele origin: germline. Affected: yes. Study: VKGL Data-share Consensus. Not counted in ClinVar's aggregate classification.

Clinical Genetics, Academic Medical Center
Classification: Likely benign. Review status: no assertion criteria provided. Collection method: clinical testing. Allele origin: germline. Affected: yes. Study: VKGL Data-share Consensus. Not counted in ClinVar's aggregate classification.

Diagnostic Laboratory, Department of Genetics, University Medical Center Groningen
Classification: Likely benign. Review status: no assertion criteria provided. Collection method: clinical testing. Allele origin: germline. Affected: yes. Study: VKGL Data-share Consensus. Not counted in ClinVar's aggregate classification.

Genome Diagnostics Laboratory, University Medical Center Utrecht
Classification: Likely benign. Review status: no assertion criteria provided. Collection method: clinical testing. Allele origin: germline. Affected: yes. Study: VKGL Data-share Consensus. Not counted in ClinVar's aggregate classification.

Joint Genome Diagnostic Labs from Nijmegen and Maastricht, Radboudumc and MUMC+
Classification: Likely benign. Review status: no assertion criteria provided. Collection method: clinical testing. Allele origin: germline. Affected: yes. Study: VKGL Data-share Consensus. Not counted in ClinVar's aggregate classification.

Literature cited by the submitters: PubMed 21409595 (cited by 3 submitters).